The following is an entry in ClinVar:

NM_004204.5(PIGQ):c.1430T>C (p.Val477Ala)

Gene: PIGQ (phosphatidylinositol glycan anchor biosynthesis class Q; plus strand). Cytogenetic location: 16p13.3.
Variant type: single nucleotide variant.
Coding change: c.1430T>C on transcript NM_004204.5 (MANE Select); coding-DNA position 1430, T replaced by C.
Protein change: p.Val477Ala; replaces valine 477 with alanine.
Molecular consequence: missense variant.
Genome position (GRCh38, 1-based): chr16:580,871, T>C. VCF-style: chr16-580871-T-C. GRCh37 (hg19) VCF-style: chr16-630871-T-C.
Other names: c.1430T>C, p.Val477Ala (NM_148920.4); short protein forms V477A.
Identifiers: ClinVar variation 970073 (VCV000970073.37), dbSNP rs202225619, ClinGen allele CA7780294.

ClinVar aggregate classification (germline): Uncertain significance. Review status: criteria provided, multiple submitters, no conflicts (2 of 4 stars). 2 submissions from 2 submitters: Uncertain significance (2). Last evaluated 2025-01-06.

Conditions:
Epilepsy. Also called: Seizure disorder. Identifiers: MedGen C0014544, MeSH D004827, MONDO:0005027.

Allele frequency attached by ClinVar (database versions not stated): gnomAD exomes 0.00009; ExAC 0.00010; TOPMed 0.00012; ESP Exome Variant Server 0.00015; 1000 Genomes Project 30x 0.00016; 1000 Genomes Project 0.00020; gnomAD 0.00023.

Submissions (2):

Labcorp Genetics (formerly Invitae), Labcorp
Classification: Uncertain significance for Epilepsy. Last evaluated: 2025-01-06. Review status: criteria provided, single submitter. Criteria: Invitae Variant Classification Sherloc (09022015). Collection method: clinical testing. Allele origin: germline.
Comment: This sequence change replaces valine, which is neutral and non-polar, with alanine, which is neutral and non-polar, at codon 477 of the PIGQ protein (p.Val477Ala). This variant is present in population databases (rs202225619, gnomAD 0.04%). This variant has not been reported in the literature in individuals affected with PIGQ-related conditions. ClinVar contains an entry for this variant (Variation ID: 970073). An algorithm developed to predict the effect of missense changes on protein structure and function (PolyPhen-2) suggests that this variant is likely to be disruptive. In summary, the available evidence is currently insufficient to determine the role of this variant in disease. Therefore, it has been classified as a Variant of Uncertain Significance.

CeGaT Center for Human Genetics Tuebingen
Classification: Uncertain significance. Last evaluated: 2024-06-01. Review status: criteria provided, single submitter. Criteria: CeGaT Center For Human Genetics Tuebingen Variant Classification Criteria Version 2. Collection method: clinical testing. Allele origin: germline. Affected: yes. Observed: 2 variant alleles.
Comment: PIGQ: PM2, BP4